The following is an entry in ClinVar:

ClinVar aggregate classification (germline): Uncertain significance (1 of 4 stars; one submission).

Conditions:
KBG syndrome (KBGS). Also called: ANKRD11-Related KBG Syndrome. Identifiers: Orphanet 2332, MedGen C0220687, MONDO:0007846, OMIM 148050.

Allele frequency attached by ClinVar (database versions not stated): gnomAD exomes below 0.00001; gnomAD 0.00001; TOPMed 0.00001.
gnomAD v4.1: 3 of 1,613,374 alleles (0.00019%); highest among the groups gnomAD compares: African/African-American, 0.0027%; no homozygotes.

Submission:

Labcorp Genetics (formerly Invitae), Labcorp
Classification: Uncertain significance for KBG syndrome. Last evaluated: 2026-01-11. Review status: criteria provided, single submitter. Criteria: Invitae Variant Classification Sherloc (09022015). Collection method: clinical testing. Allele origin: germline.
Comment: This sequence change replaces leucine, which is neutral and non-polar, with phenylalanine, which is neutral and non-polar, at codon 711 of the ANKRD11 protein (p.Leu711Phe). This variant is present in population databases (no rsID available, gnomAD 0.007%). This variant has not been reported in the literature in individuals affected with ANKRD11-related conditions. ClinVar contains an entry for this variant (Variation ID: 2194269). Invitae Evidence Modeling of protein sequence and biophysical properties (such as structural, functional, and spatial information, amino acid conservation, physicochemical variation, residue mobility, and thermodynamic stability) indicates that this missense variant is not expected to disrupt ANKRD11 protein function with a negative predictive value of 95%. In summary, the available evidence is currently insufficient to determine the role of this variant in disease. Therefore, it has been classified as a Variant of Uncertain Significance.

NM_013275.6(ANKRD11):c.2131C>T (p.Leu711Phe)

Gene: ANKRD11 (ankyrin repeat domain 11; minus strand). Cytogenetic location: 16q24.3.
Variant type: single nucleotide variant.
Coding change: c.2131C>T on transcript NM_013275.6 (MANE Select); coding-DNA position 2131, C replaced by T.
Protein change: p.Leu711Phe; replaces leucine 711 with phenylalanine.
Molecular consequence: missense variant.
Genome position (GRCh38, 1-based): chr16:89,284,411, G>A on the plus strand (C>T on the coding strand, the complement: ANKRD11 is on the minus strand). VCF-style: chr16-89284411-G-A. GRCh37 (hg19) VCF-style: chr16-89350819-G-A.
Other names: c.2131C>T, p.Leu711Phe (NM_001256182.2, NM_001256183.2); short protein forms L711F.
Identifiers: ClinVar variation 2194269 (VCV002194269.4), dbSNP rs1251812244, ClinGen allele CA397163116.